The following is an entry in ClinVar:

ClinVar aggregate classification (germline): Likely pathogenic (1 of 4 stars; one submission).

Conditions:
Hereditary cancer-predisposing syndrome. Also called: Neoplastic Syndromes, Hereditary; Hereditary Cancer Syndrome; Tumor predisposition; Hereditary neoplastic syndrome. Identifiers: Orphanet 140162, MedGen C0027672, MeSH D009386, MONDO:0015356.

Submission:

Labcorp Genetics (formerly Invitae), Labcorp
Classification: Likely pathogenic for Hereditary cancer-predisposing syndrome. Last evaluated: 2023-11-09. Review status: criteria provided, single submitter. Criteria: Invitae Variant Classification Sherloc (09022015). Collection method: clinical testing. Allele origin: germline.
Comment: This sequence change affects an acceptor splice site in intron 1 of the RAD50 gene. It is expected to disrupt RNA splicing. Variants that disrupt the donor or acceptor splice site typically lead to a loss of protein function (PMID: 16199547), and loss-of-function variants in RAD50 are known to be pathogenic (PMID: 19409520). This variant is not present in population databases (gnomAD no frequency). This variant has not been reported in the literature in individuals affected with RAD50-related conditions. Algorithms developed to predict the effect of sequence changes on RNA splicing suggest that this variant may disrupt the consensus splice site. In summary, the currently available evidence indicates that the variant is pathogenic, but additional data are needed to prove that conclusively. Therefore, this variant has been classified as Likely Pathogenic.

Literature cited by the submitters: PubMed 16199547; PubMed 19409520.

NM_005732.4(RAD50):c.130-1G>C

Gene: RAD50 (RAD50 double strand break repair protein; plus strand). Cytogenetic location: 5q31.1.
Variant type: single nucleotide variant.
Coding change: c.130-1G>C on transcript NM_005732.4 (MANE Select); the canonical splice acceptor site of the intron before coding-DNA position 130, G replaced by C.
Molecular consequence: splice acceptor variant.
Genome position (GRCh38, 1-based): chr5:132,559,283, G>C. VCF-style: chr5-132559283-G-C. GRCh37 (hg19) VCF-style: chr5-131894975-G-C.
Identifiers: ClinVar variation 2693587 (VCV002693587.3), dbSNP rs876658784, ClinGen allele CA360953096.